The following is an entry in ClinVar:

ClinVar aggregate classification (germline): Conflicting classifications of pathogenicity. Review status: criteria provided, conflicting classifications (1 of 4 stars). 2 submissions from 2 submitters: Uncertain significance (1); Benign (1). Last evaluated 2026-07-29.

Conditions:
Cardiovascular phenotype. Identifiers: MedGen CN230736.
Legius syndrome. Identifiers: Orphanet 137605, MedGen C1969623, MONDO:0012669, OMIM 611431. Disease mechanism: loss of function.

Allele frequency attached by ClinVar (database versions not stated): ExAC 0.00002; ESP Exome Variant Server 0.00008; gnomAD exomes 0.00001; TOPMed 0.00001; 1000 Genomes Project 30x 0.00016; gnomAD 0.00003; 1000 Genomes Project 0.00020.
gnomAD v4.1: 22 of 1,614,164 alleles (0.0014%); highest among the groups gnomAD compares: East Asian, 0.036%; no homozygotes.

Submissions (2):

Ambry Genetics
Classification: Benign for Cardiovascular phenotype. Last evaluated: 2026-07-29. Review status: criteria provided, single submitter. Criteria: Ambry Variant Classification Scheme 2023. Collection method: clinical testing. Allele origin: germline.

Labcorp Genetics (formerly Invitae), Labcorp
Classification: Uncertain significance for Legius syndrome. Last evaluated: 2026-01-20. Review status: criteria provided, single submitter. Criteria: Invitae Variant Classification Sherloc (09022015). Collection method: clinical testing. Allele origin: germline.
Comment: This sequence change replaces isoleucine, which is neutral and non-polar, with methionine, which is neutral and non-polar, at codon 363 of the SPRED1 protein (p.Ile363Met). This variant is present in population databases (rs140225135, gnomAD 0.04%). This variant has not been reported in the literature in individuals affected with SPRED1-related conditions. ClinVar contains an entry for this variant (Variation ID: 2191689). Invitae Evidence Modeling of protein sequence and biophysical properties (such as structural, functional, and spatial information, amino acid conservation, physicochemical variation, residue mobility, and thermodynamic stability) has been performed for this missense variant. However, the output from this modeling did not meet the statistical confidence thresholds required to predict the impact of this variant on SPRED1 protein function. In summary, the available evidence is currently insufficient to determine the role of this variant in disease. Therefore, it has been classified as a Variant of Uncertain Significance.

NM_152594.3(SPRED1):c.1089A>G (p.Ile363Met)

Gene: SPRED1 (sprouty related EVH1 domain containing 1; plus strand). Cytogenetic location: 15q14.
Variant type: single nucleotide variant.
Coding change: c.1089A>G on transcript NM_152594.3 (MANE Select); coding-DNA position 1089, A replaced by G.
Protein change: p.Ile363Met; replaces isoleucine 363 with methionine.
Molecular consequence: missense variant.
Genome position (GRCh38, 1-based): chr15:38,351,418, A>G. VCF-style: chr15-38351418-A-G. GRCh37 (hg19) VCF-style: chr15-38643619-A-G.
Other names: c.1089A>G (NM_152594.2); short protein forms I363M.
Identifiers: ClinVar variation 2191689 (VCV002191689.5), dbSNP rs140225135, ClinGen allele CA7470230.
Genomic context (GRCh38, chr15:38,351,418, plus strand): 5'-TCATGAAGAAAATGTTAGGGGAAAATGTCAGGATGCTCCAGACCCTATTAAAAGATGCAT[A>G]TATCAAGTTAGTTGCATGCTCTGTGCAGAGAGCATGTTGTATCATTGTATGTCAGACTCA-3'
Protein context (NP_689807.1, residues 353-373): QDAPDPIKRC[Ile363Met]YQVSCMLCAE